The following is an entry in ClinVar:

NM_001005273.3(CHD3):c.793+4G>A

Gene: CHD3 (chromodomain helicase DNA binding protein 3; plus strand). Cytogenetic location: 17p13.1.
Variant type: single nucleotide variant.
Coding change: c.793+4G>A on transcript NM_001005273.3 (MANE Select); 4 bases into the intron after coding-DNA position 793, G replaced by A.
Molecular consequence: intron variant.
Genome position (GRCh38, 1-based): chr17:7,893,573, G>A. VCF-style: chr17-7893573-G-A. GRCh37 (hg19) VCF-style: chr17-7796891-G-A.
Other names: c.970+4G>A (NM_001005271.3, NM_001005271.2); c.793+4G>A (NM_005852.4).
Identifiers: ClinVar variation 2647424 (VCV002647424.25), dbSNP rs185678916, ClinGen allele CA8362458.

ClinVar aggregate classification (germline): Likely benign. Review status: criteria provided, single submitter (1 of 4 stars). 2 submissions from 2 submitters: Likely benign (1). 1 of the submissions does not count toward it. Last evaluated 2022-10-01.

Conditions:
CHD3-related disorder. Also called: CHD3-related condition.

Allele frequency attached by ClinVar (database versions not stated): ESP Exome Variant Server 0.00015; 1000 Genomes Project 30x 0.00016; TOPMed 0.00017; 1000 Genomes Project 0.00020; gnomAD 0.00022; ExAC 0.00032; gnomAD exomes 0.00035.
gnomAD v4.1: 524 of 1,559,222 alleles (0.034%); highest among the groups gnomAD compares: Non-Finnish European, 0.043%; no homozygotes.

Submissions (2):

CeGaT Center for Human Genetics Tuebingen
Classification: Likely benign. Last evaluated: 2022-10-01. Review status: criteria provided, single submitter. Criteria: CeGaT Center For Human Genetics Tuebingen Variant Classification Criteria Version 2. Collection method: clinical testing. Allele origin: germline. Affected: yes. Observed: 2 variant alleles.
Comment: CHD3: BP4, BS1

PreventionGenetics, part of Exact Sciences
Classification: Likely benign for CHD3-related condition. Last evaluated: 2019-03-07. Review status: no assertion criteria provided. Collection method: clinical testing. Allele origin: germline. Not counted in ClinVar's aggregate classification.
Comment: This variant is classified as likely benign based on ACMG/AMP sequence variant interpretation guidelines (Richards et al. 2015 PMID: 25741868, with internal and published modifications).